The following is an entry in ClinVar:

ClinVar aggregate classification (germline): Likely benign. Review status: criteria provided, multiple submitters, no conflicts (2 of 4 stars). 3 submissions from 3 submitters: Likely benign (2). 1 of the submissions does not count toward it. Last evaluated 2025-08-13.

Conditions:
Inborn genetic diseases. Identifiers: MedGen C0950123, MeSH D030342.
IRF2BPL-related disorder. Also called: IRF2BPL-related condition. Identifiers: MedGen CN381093.

Allele frequency attached by ClinVar (database versions not stated): TOPMed 0.00009; ExAC 0.00012; gnomAD 0.00017; 1000 Genomes Project 0.00060; 1000 Genomes Project 30x 0.00078.
gnomAD v4.1: 131 of 1,593,924 alleles (0.0082%); highest among the groups gnomAD compares: South Asian, 0.029%; 1 homozygote.

Submissions (3):

Ambry Genetics
Classification: Likely benign for Inborn genetic diseases. Last evaluated: 2025-08-13. Review status: criteria provided, single submitter. Criteria: Ambry Variant Classification Scheme 2023. Collection method: clinical testing. Allele origin: germline.

Blueprint Genetics
Classification: Likely benign. Last evaluated: 2023-10-11. Review status: criteria provided, single submitter. Criteria: ACMG Guidelines, 2015. Collection method: clinical testing. Allele origin: germline.

PreventionGenetics, part of Exact Sciences
Classification: Likely benign for IRF2BPL-related condition. Last evaluated: 2024-02-13. Review status: no assertion criteria provided. Collection method: clinical testing. Allele origin: germline. Not counted in ClinVar's aggregate classification.
Comment: This variant is classified as likely benign based on ACMG/AMP sequence variant interpretation guidelines (Richards et al. 2015 PMID: 25741868, with internal and published modifications).

NM_024496.4(IRF2BPL):c.929C>T (p.Ser310Phe)

Gene: IRF2BPL (interferon regulatory factor 2 binding protein like; minus strand). Cytogenetic location: 14q24.3.
Variant type: single nucleotide variant.
Coding change: c.929C>T on transcript NM_024496.4 (MANE Select); coding-DNA position 929, C replaced by T.
Protein change: p.Ser310Phe; replaces serine 310 with phenylalanine.
Molecular consequence: missense variant.
Genome position (GRCh38, 1-based): chr14:77,026,864, G>A on the plus strand (C>T on the coding strand, the complement: IRF2BPL is on the minus strand). VCF-style: chr14-77026864-G-A. GRCh37 (hg19) VCF-style: chr14-77493207-G-A.
Other names: c.929C>T (NM_024496.2); short protein forms S310F.
Identifiers: ClinVar variation 3055038 (VCV003055038.4), dbSNP rs534761049, ClinGen allele CA7283807.
Genomic context (GRCh38, chr14:77,026,864, plus strand): 5'-TTACCACCAGCACCCACGCCCACCTCTGCCACCGACGAAGAGGTCGAAGACGACGCGGAG[G>A]ACGACGTGGCCGATACACCCGGGGTACCCCCGAGACAAGCGGGGCCCCCAGGAGCCCCTG-3'
Protein context (NP_078772.1, residues 300-320): GGTPGVSATS[Ser310Phe]SASSSTSSSV